The following is an entry in ClinVar:

ClinVar aggregate classification (germline): Likely benign (1 of 4 stars; one submission).

Submission:

CeGaT Center for Human Genetics Tuebingen
Classification: Likely benign. Last evaluated: 2025-12-01. Review status: criteria provided, single submitter. Criteria: CeGaT Center For Human Genetics Tuebingen Variant Classification Criteria Version 2. Collection method: clinical testing. Allele origin: germline. Affected: yes. Observed: 1 variant allele.
Comment: STAT5A: BP4, BS2

NM_001288718.2(STAT5A):c.2210T>C (p.Met737Thr)

Gene: STAT5A (signal transducer and activator of transcription 5A; plus strand). Cytogenetic location: 17q21.2.
Variant type: single nucleotide variant.
Coding change: c.2210T>C on transcript NM_001288718.2 (MANE Select); coding-DNA position 2210, T replaced by C.
Protein change: p.Met737Thr; replaces methionine 737 with threonine.
Molecular consequence: missense variant. On other transcripts: intron variant (1).
Genome position (GRCh38, 1-based): chr17:42,309,472, T>C. VCF-style: chr17-42309472-T-C. GRCh37 (hg19) VCF-style: chr17-40461490-T-C.
Other names: c.2120T>C, p.Met707Thr (NM_001288719.2); c.2117T>C, p.Met706Thr (NM_001288720.2); c.2210T>C, p.Met737Thr (NM_003152.4); c.2063-1035T>C (NM_001411103.1); short protein forms M706T, M707T, M737T.
Identifiers: ClinVar variation 4681319 (VCV004681319.5).